The following is an entry in ClinVar:

ClinVar aggregate classification (germline): Likely benign (0 of 4 stars; one submission).

Conditions:
NCOA1-related disorder. Also called: NCOA1-related condition.

gnomAD v4.1: 3 of 1,613,118 alleles (0.00019%); highest among the groups gnomAD compares: African/African-American, 0.0027%; no homozygotes.

Submission:

PreventionGenetics, part of Exact Sciences
Classification: Likely benign for NCOA1-related condition. Last evaluated: 2022-11-21. Review status: no assertion criteria provided. Collection method: clinical testing. Allele origin: germline.
Comment: This variant is classified as likely benign based on ACMG/AMP sequence variant interpretation guidelines (Richards et al. 2015 PMID: 25741868, with internal and published modifications).

NM_003743.5(NCOA1):c.3888C>T (p.Phe1296=)

Gene: NCOA1 (nuclear receptor coactivator 1; plus strand). Cytogenetic location: 2p23.3.
Variant type: single nucleotide variant.
Coding change: c.3888C>T on transcript NM_003743.5 (MANE Select); coding-DNA position 3888, C replaced by T.
Protein change: p.Phe1296=; no amino-acid change (phenylalanine 1296 retained).
Molecular consequence: synonymous variant.
Genome position (GRCh38, 1-based): chr2:24,757,979, C>T. VCF-style: chr2-24757979-C-T. GRCh37 (hg19) VCF-style: chr2-24980848-C-T.
Other names: c.3888C>T, p.Phe1296= (NM_001362950.1, NM_001362952.1, NM_001362954.1 and 3 more transcripts).
Identifiers: ClinVar variation 3356939 (VCV003356939.1).
Genomic context (GRCh38, chr2:24,757,979, plus strand): 5'-TATCCCCTTGTTCATGATCAGTGGATGTAATCTGGATTGTTTTTGAGTTTACAGTGTGTT[C>T]AGTCAAGCTGTCCAGAACCAGCCCACGCCTGCACAGCCAGGAGTATACAACAACATGAGC-3'
Protein context (NP_003734.3, residues 1286-1306): QQGAIGNNNV[Phe1296=]SQAVQNQPTP